The following is an entry in ClinVar:

ClinVar aggregate classification (germline): Conflicting classifications of pathogenicity. Review status: criteria provided, conflicting classifications (1 of 4 stars). 3 submissions from 3 submitters: Uncertain significance (2); Benign (1). Last evaluated 2025-12-13.

Conditions:
Isolated focal cortical dysplasia type II (FCORD2). Also called: Focal cortical dysplasia type II; CORTICAL DYSPLASIA OF TAYLOR. Identifiers: Orphanet 268994, MedGen C1846385, MONDO:0011818, OMIM 607341, HP:0032051.
Hereditary cancer-predisposing syndrome. Also called: Neoplastic Syndromes, Hereditary; Hereditary neoplastic syndrome; Hereditary Cancer Syndrome; Tumor predisposition. Identifiers: Orphanet 140162, MedGen C0027672, MeSH D009386, MONDO:0015356.
Tuberous sclerosis 2 (TSC2). Identifiers: Orphanet 805, MedGen C1860707, MONDO:0013199, OMIM 613254.

Allele frequency attached by ClinVar (database versions not stated): ExAC 0.00001.
gnomAD v4.1: 2 of 1,612,924 alleles (0.00012%); highest among the groups gnomAD compares: Admixed American, 0.0033%; no homozygotes.

Submissions (3):

Labcorp Genetics (formerly Invitae), Labcorp
Classification: Benign for Tuberous sclerosis 2. Last evaluated: 2025-12-13. Review status: criteria provided, single submitter. Criteria: Invitae Variant Classification Sherloc (09022015). Collection method: clinical testing. Allele origin: germline.

Ambry Genetics
Classification: Uncertain significance for Hereditary cancer-predisposing syndrome. Last evaluated: 2025-12-11. Review status: criteria provided, single submitter. Criteria: Ambry Variant Classification Scheme 2023. Collection method: clinical testing. Allele origin: germline.
Comment: The p.P1770R variant (also known as c.5309C>G), located in coding exon 41 of the TSC2 gene, results from a C to G substitution at nucleotide position 5309. The proline at codon 1770 is replaced by arginine, an amino acid with dissimilar properties. This amino acid position is not well conserved in available vertebrate species. In addition, the in silico prediction for this alteration is inconclusive. Since supporting evidence is limited at this time, the clinical significance of this alteration remains unclear.

Baylor Genetics
Classification: Uncertain significance for Isolated focal cortical dysplasia type II. Last evaluated: 2023-06-09. Review status: criteria provided, single submitter. Criteria: ACMG Guidelines, 2015. Collection method: clinical testing. Allele origin: unknown.

NM_000548.5(TSC2):c.5309C>G (p.Pro1770Arg)

Gene: TSC2 (TSC complex subunit 2; plus strand). Cytogenetic location: 16p13.3.
Variant type: single nucleotide variant.
Coding change: c.5309C>G on transcript NM_000548.5 (MANE Select); coding-DNA position 5309, C replaced by G.
Protein change: p.Pro1770Arg; replaces proline 1770 with arginine.
Molecular consequence: missense variant.
Genome position (GRCh38, 1-based): chr16:2,088,495, C>G. VCF-style: chr16-2088495-C-G. GRCh37 (hg19) VCF-style: chr16-2138496-C-G.
Other names: c.5108C>G, p.Pro1703Arg (NM_001077183.3); c.5240C>G, p.Pro1747Arg (NM_001114382.3); c.5000C>G, p.Pro1667Arg (NM_001318827.2); c.4964C>G, p.Pro1655Arg (NM_001318829.2); c.4577C>G, p.Pro1526Arg (NM_001318831.2); c.5141C>G, p.Pro1714Arg (NM_001318832.2); c.5111C>G, p.Pro1704Arg (NM_001363528.2); c.5177C>G, p.Pro1726Arg (NM_001370404.1); and 2 more; short protein forms P1704R, P1747R, P1770R, P1667R, P1526R, P1703R, P1723R, P1726R.
Identifiers: ClinVar variation 944222 (VCV000944222.12), dbSNP rs771357054, ClinGen allele CA055029.